The following is an entry in ClinVar:

ClinVar aggregate classification (germline): Benign (1 of 4 stars; one submission).

Allele frequency attached by ClinVar (database versions not stated): gnomAD exomes 0.00428; gnomAD 0.01992 and 0.02143; 1000 Genomes Project 0.02316; TOPMed 0.02347; 1000 Genomes Project 30x 0.02420.
gnomAD v4.1: 8,011 of 1,233,858 alleles (0.65%); highest among the groups gnomAD compares: African/African-American, 5.8%; 162 homozygotes.

Submission:

GeneDx
Classification: Benign. Last evaluated: 2018-06-14. Review status: criteria provided, single submitter. Criteria: GeneDx Variant Classification (06012015). Collection method: clinical testing. Allele origin: germline. Affected: yes.
Comment: This variant is considered likely benign or benign based on one or more of the following criteria: it is a conservative change, it occurs at a poorly conserved position in the protein, it is predicted to be benign by multiple in silico algorithms, and/or has population frequency not consistent with disease.

NM_000548.5(TSC2):c.3814+141C>T

Gene: TSC2 (TSC complex subunit 2; plus strand). Cytogenetic location: 16p13.3.
Variant type: single nucleotide variant.
Coding change: c.3814+141C>T on transcript NM_000548.5 (MANE Select); 141 bases into the intron after coding-DNA position 3814, C replaced by T.
Molecular consequence: intron variant.
Genome position (GRCh38, 1-based): chr16:2,081,939, C>T. VCF-style: chr16-2081939-C-T. GRCh37 (hg19) VCF-style: chr16-2131940-C-T.
Other names: c.3814+141C>T (NM_001114382.3); c.3685+141C>T (NM_021055.3, NM_001370405.1, NM_001363528.2); c.3682+141C>T (NM_001370404.1, NM_001077183.3); c.3574+141C>T (NM_001318827.2); c.3082+141C>T (NM_001318831.2); c.3538+141C>T (NM_001318829.2); c.3715+141C>T (NM_001318832.2).
Identifiers: ClinVar variation 677552 (VCV000677552.1), dbSNP rs7196774, ClinGen allele CA276750405.